The following is an entry in ClinVar:

NM_002693.3(POLG):c.3073C>G (p.Leu1025Val)

Gene: POLG (DNA polymerase gamma, catalytic subunit; minus strand). Cytogenetic location: 15q26.1.
Variant type: single nucleotide variant.
Coding change: c.3073C>G on transcript NM_002693.3 (MANE Select); coding-DNA position 3073, C replaced by G.
Protein change: p.Leu1025Val; replaces leucine 1025 with valine.
Molecular consequence: missense variant.
Genome position (GRCh38, 1-based): chr15:89,319,259, G>C on the plus strand (C>G on the coding strand, the complement: POLG is on the minus strand). VCF-style: chr15-89319259-G-C. GRCh37 (hg19) VCF-style: chr15-89862490-G-C.
Other names: c.3073C>G, p.Leu1025Val (NM_001126131.2); short protein forms L1025V.
Identifiers: ClinVar variation 957691 (VCV000957691.9), dbSNP rs1421324049, ClinGen allele CA393751309.
Genomic context (GRCh38, chr15:89,319,259, plus strand): 5'-TCCATCCTTAACACAAAGAAGGTTCTTACTTCCTTGCAGTTTCTCTCTGGACCTTGCGCA[G>C]ATCCTGCAGGGAAATCCAGCCACCCTCAGTCCTGTCCACTGGGAGGTTCAACTCCCTCAC-3'
Protein context (NP_002684.1, residues 1015-1035): TEGGWISLQD[Leu1025Val]RKVQRETARK

ClinVar aggregate classification (germline): Uncertain significance (1 of 4 stars; one submission).

Conditions:
Progressive sclerosing poliodystrophy (MTDPS4A). Also called: ALPERS PROGRESSIVE INFANTILE POLIODYSTROPHY; Mitochondrial DNA depletion syndrome 4A (Alpers type); ALPERS DIFFUSE DEGENERATION OF CEREBRAL GRAY MATTER WITH HEPATIC CIRRHOSIS; Alpers-Huttenlocher Syndrome; Alpers-Huttenlocher Syndrome (AHS); Alpers Syndrome. Identifiers: Orphanet 726, MedGen C0205710, MONDO:0008758, OMIM 203700.

gnomAD v4.1: 2 of 1,614,214 alleles (0.00012%); highest among the groups gnomAD compares: East Asian, 0.0022%; no homozygotes.

Submission:

Labcorp Genetics (formerly Invitae), Labcorp
Classification: Uncertain significance for Progressive sclerosing poliodystrophy. Last evaluated: 2024-10-21. Review status: criteria provided, single submitter. Criteria: Invitae Variant Classification Sherloc (09022015). Collection method: clinical testing. Allele origin: germline.
Comment: This sequence change replaces leucine, which is neutral and non-polar, with valine, which is neutral and non-polar, at codon 1025 of the POLG protein (p.Leu1025Val). This variant is present in population databases (no rsID available, gnomAD 0.0009%). This variant has not been reported in the literature in individuals affected with POLG-related conditions. ClinVar contains an entry for this variant (Variation ID: 957691). Invitae Evidence Modeling of protein sequence and biophysical properties (such as structural, functional, and spatial information, amino acid conservation, physicochemical variation, residue mobility, and thermodynamic stability) indicates that this missense variant is not expected to disrupt POLG protein function with a negative predictive value of 95%. In summary, the available evidence is currently insufficient to determine the role of this variant in disease. Therefore, it has been classified as a Variant of Uncertain Significance.